The following is an entry in ClinVar:

ClinVar aggregate classification (germline): Uncertain significance. Review status: criteria provided, multiple submitters, no conflicts (2 of 4 stars). 3 submissions from 3 submitters: Uncertain significance (3). Last evaluated 2025-12-19.

Conditions:
Inborn genetic diseases. Identifiers: MedGen C0950123, MeSH D030342.
Neuropathy, hereditary sensory and autonomic, type 2A (HSAN2A). Also called: ACROOSTEOLYSIS, GIACCAI TYPE; ACROOSTEOLYSIS, NEUROGENIC; HSAN IIA; WNK1-Related HSAN2 (HSAN2A); MORVAN DISEASE; NEUROPATHY, CONGENITAL SENSORY. Identifiers: Orphanet 970, MedGen C2752089, MONDO:0024309, OMIM 201300.
Generalized epilepsy with febrile seizures plus, type 7 (GEFSP7). Also called: GEFS+, TYPE 7. Identifiers: Orphanet 36387, MedGen C2751778, MONDO:0013470, OMIM 613863.

Allele frequency attached by ClinVar (database versions not stated): gnomAD exomes below 0.00001; gnomAD 0.00003 and 0.00004; TOPMed 0.00003.
gnomAD v4.1: 9 of 1,608,768 alleles (0.00056%); highest among the groups gnomAD compares: African/African-American, 0.011%; no homozygotes.

Submissions (3):

Labcorp Genetics (formerly Invitae), Labcorp
Classification: Uncertain significance for Neuropathy, hereditary sensory and autonomic, type 2A; Generalized epilepsy with febrile seizures plus, type 7. Last evaluated: 2025-12-19. Review status: criteria provided, single submitter. Criteria: Invitae Variant Classification Sherloc (09022015). Collection method: clinical testing. Allele origin: germline.
Comment: This sequence change replaces glutamic acid, which is acidic and polar, with lysine, which is basic and polar, at codon 435 of the SCN9A protein (p.Glu435Lys). This variant is present in population databases (no rsID available, gnomAD 0.008%). This variant has not been reported in the literature in individuals affected with SCN9A-related conditions. ClinVar contains an entry for this variant (Variation ID: 1163803). Invitae Evidence Modeling of protein sequence and biophysical properties (such as structural, functional, and spatial information, amino acid conservation, physicochemical variation, residue mobility, and thermodynamic stability) indicates that this missense variant is not expected to disrupt SCN9A protein function with a negative predictive value of 95%. In summary, the available evidence is currently insufficient to determine the role of this variant in disease. Therefore, it has been classified as a Variant of Uncertain Significance.

Ambry Genetics
Classification: Uncertain significance for Inborn genetic diseases. Last evaluated: 2025-07-13. Review status: criteria provided, single submitter. Criteria: Ambry Variant Classification Scheme 2023. Collection method: clinical testing. Allele origin: germline.

Mayo Clinic Laboratories, Mayo Clinic
Classification: Uncertain significance. Last evaluated: 2020-03-24. Review status: criteria provided, single submitter. Criteria: ACMG Guidelines, 2015. Collection method: clinical testing. Allele origin: germline. Observed: 1 variant allele.

NM_001365536.1(SCN9A):c.1303G>A (p.Glu435Lys)

Genes: SCN9A (sodium voltage-gated channel alpha subunit 9; minus strand), SCN1A-AS1 (SCN1A and SCN9A antisense RNA 1; plus strand). Cytogenetic location: 2q24.3.
Variant type: single nucleotide variant.
Coding change: c.1303G>A on transcript NM_001365536.1 (MANE Select); coding-DNA position 1303, G replaced by A.
Protein change: p.Glu435Lys; replaces glutamic acid 435 with lysine.
Molecular consequence: missense variant.
Genome position (GRCh38, 1-based): chr2:166,288,448, C>T on the plus strand (G>A on the coding strand, the complement: SCN9A is on the minus strand). VCF-style: chr2-166288448-C-T. GRCh37 (hg19) VCF-style: chr2-167144958-C-T.
Other names: c.1303G>A, p.Glu435Lys (NM_002977.4); short protein forms E435K.
Identifiers: ClinVar variation 1163803 (VCV001163803.13), dbSNP rs775475997, ClinGen allele CA59802180.